The following is an entry in ClinVar:

ClinVar aggregate classification (germline): Uncertain significance (1 of 4 stars; one submission).

Conditions:
Epidermolysis bullosa simplex with nail dystrophy (EBS5D). Identifiers: MedGen C4225309, MONDO:0014661, OMIM 616487.
Epidermolysis bullosa simplex, Ogna type (EBS5A). Also called: EPIDERMOLYSIS BULLOSA SIMPLEX 5A, OGNA TYPE; Pidermolysis bullosa simplex 5A, Ogna type. Identifiers: Orphanet 79401, MedGen C0432317, MONDO:0007555, OMIM 131950.
Autosomal recessive limb-girdle muscular dystrophy type 2Q (LGMDR17). Also called: MUSCULAR DYSTROPHY, LIMB-GIRDLE, AUTOSOMAL RECESSIVE 17. Identifiers: Orphanet 254361, MedGen C3150989, MONDO:0013390, OMIM 613723.
Epidermolysis bullosa simplex 5B, with muscular dystrophy (EBS5B). Also called: EPIDERMOLYSIS BULLOSA SIMPLEX AND LIMB-GIRDLE MUSCULAR DYSTROPHY; Epidermolysis bullosa simplex with muscular dystrophy. Identifiers: Orphanet 257, MedGen C2931072, MONDO:0009181, OMIM 226670.
Epidermolysis bullosa simplex 5C, with pyloric atresia (EBS5C). Also called: PLEC-Related Epidermolysis Bullosa with Pyloric Atresia; Epidermolysis bullosa simplex with pyloric atresia; PLEC1-Related Epidermolysis Bullosa with Pyloric Atresia. Identifiers: Orphanet 158684, MedGen C2677349, MONDO:0012807, OMIM 612138.

gnomAD v4.1: 3 of 1,613,870 alleles (0.00019%); highest among the groups gnomAD compares: Non-Finnish European, 0.00025%; no homozygotes.

Submission:

Labcorp Genetics (formerly Invitae), Labcorp
Classification: Uncertain significance for Autosomal recessive limb-girdle muscular dystrophy type 2Q; Epidermolysis bullosa simplex, Ogna type; Epidermolysis bullosa simplex with nail dystrophy; Epidermolysis bullosa simplex 5C, with pyloric atresia; Epidermolysis bullosa simplex 5B, with muscular dystrophy. Last evaluated: 2025-12-16. Review status: criteria provided, single submitter. Criteria: Invitae Variant Classification Sherloc (09022015). Collection method: clinical testing. Allele origin: germline.
Comment: This sequence change replaces tyrosine, which is neutral and polar, with serine, which is neutral and polar, at codon 3516 of the PLEC protein (p.Tyr3516Ser). This variant is not present in population databases (gnomAD no frequency). This variant has not been reported in the literature in individuals affected with PLEC-related conditions. Invitae Evidence Modeling of protein sequence and biophysical properties (such as structural, functional, and spatial information, amino acid conservation, physicochemical variation, residue mobility, and thermodynamic stability) indicates that this missense variant is not expected to disrupt PLEC protein function with a negative predictive value of 80%. In summary, the available evidence is currently insufficient to determine the role of this variant in disease. Therefore, it has been classified as a Variant of Uncertain Significance.

NM_201384.3(PLEC):c.10466A>C (p.Tyr3489Ser)

Gene: PLEC (plectin; minus strand). Cytogenetic location: 8q24.3.
Variant type: single nucleotide variant.
Coding change: c.10466A>C on transcript NM_201384.3 (MANE Select); coding-DNA position 10466, A replaced by C.
Protein change: p.Tyr3489Ser; replaces tyrosine 3489 with serine.
Molecular consequence: missense variant.
Genome position (GRCh38, 1-based): chr8:143,919,355, T>G on the plus strand (A>C on the coding strand, the complement: PLEC is on the minus strand). VCF-style: chr8-143919355-T-G. GRCh37 (hg19) VCF-style: chr8-144993523-T-G.
Other names: c.10547A>C, p.Tyr3516Ser (NM_000445.5); c.7166A>C, p.Tyr2389Ser (NM_001410941.1); c.10424A>C, p.Tyr3475Ser (NM_201378.4); c.10400A>C, p.Tyr3467Ser (NM_201379.3); c.10877A>C, p.Tyr3626Ser (NM_201380.4); c.10370A>C, p.Tyr3457Ser (NM_201381.3); c.10466A>C, p.Tyr3489Ser (NM_201382.4); c.10478A>C, p.Tyr3493Ser (NM_201383.3); short protein forms Y3489S, Y3493S, Y3626S, Y3457S, Y2389S, Y3467S, Y3475S, Y3516S.
Identifiers: ClinVar variation 4790028 (VCV004790028.1).